The following is an entry in ClinVar:

NM_005869.4(CWC27):c.1152+2T>A

Gene: CWC27 (CWC27 spliceosome associated cyclophilin; plus strand). Cytogenetic location: 5q12.3.
Variant type: single nucleotide variant.
Coding change: c.1152+2T>A on transcript NM_005869.4 (MANE Select); the canonical splice donor site of the intron after coding-DNA position 1152, T replaced by A.
Molecular consequence: splice donor variant.
Genome position (GRCh38, 1-based): chr5:64,971,814, T>A. VCF-style: chr5-64971814-T-A. GRCh37 (hg19) VCF-style: chr5-64267641-T-A.
Other names: c.1152+2T>A (NM_001297644.1).
Identifiers: ClinVar variation 1068272 (VCV001068272.8), dbSNP rs747658761, ClinGen allele CA3282230.
Genomic context (GRCh38, chr5:64,971,814, plus strand): 5'-AAAAGTATGAAGCTTTGAGGAAGCAACAGTCAAAGAAGGGAACTTCCCGGGAAGATCAGG[T>A]AACTTCAAAAACCCAAATCCATACAGAACTTATTGTCTTTTTATTGTTTTTAAGTGTTTC-3'

ClinVar aggregate classification (germline): Likely pathogenic. Review status: criteria provided, multiple submitters, no conflicts (2 of 4 stars). 2 submissions from 2 submitters: Likely pathogenic (2). Last evaluated 2025-06-15.

Conditions:
CWC27-related disorder. Also called: CWC27-related condition.

Allele frequency attached by ClinVar (database versions not stated): gnomAD exomes below 0.00001 and 0.00001; ExAC 0.00002; gnomAD 0.00006; TOPMed 0.00006.
gnomAD v4.1: 10 of 1,600,108 alleles (0.00062%); highest among the groups gnomAD compares: African/African-American, 0.014%; no homozygotes.

Submissions (2):

Labcorp Genetics (formerly Invitae), Labcorp
Classification: Likely pathogenic. Last evaluated: 2025-06-15. Review status: criteria provided, single submitter. Criteria: Invitae Variant Classification Sherloc (09022015). Collection method: clinical testing. Allele origin: germline.
Comment: This sequence change affects a donor splice site in intron 12 of the CWC27 gene. It is expected to disrupt RNA splicing. Variants that disrupt the donor or acceptor splice site typically lead to a loss of protein function (PMID: 16199547), and loss-of-function variants in CWC27 are known to be pathogenic (PMID: 28285769). This variant is present in population databases (rs747658761, gnomAD 0.02%). This variant has not been reported in the literature in individuals affected with CWC27-related conditions. ClinVar contains an entry for this variant (Variation ID: 1068272). Algorithms developed to predict the effect of sequence changes on RNA splicing suggest that this variant may disrupt the consensus splice site. In summary, the currently available evidence indicates that the variant is pathogenic, but additional data are needed to prove that conclusively. Therefore, this variant has been classified as Likely Pathogenic.

Blueprint Genetics
Classification: Likely pathogenic for CWC27-related disorders. Last evaluated: 2019-05-02. Review status: criteria provided, single submitter. Criteria: ACMG Guidelines, 2015. Collection method: clinical testing. Allele origin: germline. Affected: yes. Observed: 2 variant alleles.

Literature cited by the submitters: PubMed 16199547 (cited by Labcorp Genetics (formerly Invitae), Labcorp); PubMed 28285769 (cited by Labcorp Genetics (formerly Invitae), Labcorp).